The following is an entry in ClinVar:

ClinVar aggregate classification (germline): Uncertain significance. Review status: criteria provided, multiple submitters, no conflicts (2 of 4 stars). 2 submissions from 2 submitters: Uncertain significance (2). Last evaluated 2022-09-29.

Allele frequency attached by ClinVar (database versions not stated): gnomAD exomes below 0.00001.
gnomAD v4.1: 1 of 1,614,190 alleles (0.000062%); highest among the groups gnomAD compares: Non-Finnish European, 0.000085%; no homozygotes.

Submissions (2):

Ambry Genetics
Classification: Uncertain significance. Last evaluated: 2022-09-29. Review status: criteria provided, single submitter. Criteria: Ambry Variant Classification Scheme 2023. Collection method: clinical testing. Allele origin: germline.

Labcorp Genetics (formerly Invitae), Labcorp
Classification: Uncertain significance. Last evaluated: 2022-07-11. Review status: criteria provided, single submitter. Criteria: Invitae Variant Classification Sherloc (09022015). Collection method: clinical testing. Allele origin: germline.
Comment: This variant has not been reported in the literature in individuals affected with PITPNM3-related conditions. In summary, the available evidence is currently insufficient to determine the role of this variant in disease. Therefore, it has been classified as a Variant of Uncertain Significance. Algorithms developed to predict the effect of sequence changes on RNA splicing suggest that this variant may create or strengthen a splice site. Algorithms developed to predict the effect of missense changes on protein structure and function are either unavailable or do not agree on the potential impact of this missense change (SIFT: "Deleterious"; PolyPhen-2: "Benign"; Align-GVGD: "Class C0"). ClinVar contains an entry for this variant (Variation ID: 1035682). This variant is not present in population databases (gnomAD no frequency). This sequence change replaces asparagine, which is neutral and polar, with serine, which is neutral and polar, at codon 639 of the PITPNM3 protein (p.Asn639Ser).

NM_031220.4(PITPNM3):c.1916A>G (p.Asn639Ser)

Gene: PITPNM3 (PITPNM family member 3; minus strand). Cytogenetic location: 17p13.2.
Variant type: single nucleotide variant.
Coding change: c.1916A>G on transcript NM_031220.4 (MANE Select); coding-DNA position 1916, A replaced by G.
Protein change: p.Asn639Ser; replaces asparagine 639 with serine.
Molecular consequence: missense variant.
Genome position (GRCh38, 1-based): chr17:6,464,746, T>C on the plus strand (A>G on the coding strand, the complement: PITPNM3 is on the minus strand). VCF-style: chr17-6464746-T-C. GRCh37 (hg19) VCF-style: chr17-6368066-T-C.
Other names: c.1808A>G, p.Asn603Ser (NM_001165966.2); c.1916A>G (NM_031220.3); short protein forms N603S, N639S.
Identifiers: ClinVar variation 1035682 (VCV001035682.12), dbSNP rs1904672902, ClinGen allele CA397403372.